The following is an entry in ClinVar:

ClinVar aggregate classification (germline): Uncertain significance (1 of 4 stars; one submission).

Submission:

GeneDx
Classification: Uncertain significance. Last evaluated: 2025-03-20. Review status: criteria provided, single submitter. Criteria: GeneDx Variant Classification Process June 2021. Collection method: clinical testing. Allele origin: germline. Affected: yes.
Comment: Not observed at significant frequency in large population cohorts (gnomAD); In silico analysis indicates that this missense variant does not alter protein structure/function; Has not been previously published as pathogenic or benign to our knowledge

NM_015030.2(FRYL):c.4215C>G (p.His1405Gln)

Gene: FRYL (FRY like transcription coactivator; minus strand). Cytogenetic location: 4p11.
Variant type: single nucleotide variant.
Coding change: c.4215C>G on transcript NM_015030.2 (MANE Select); coding-DNA position 4215, C replaced by G.
Protein change: p.His1405Gln; replaces histidine 1405 with glutamine.
Molecular consequence: missense variant.
Genome position (GRCh38, 1-based): chr4:48,557,029, G>C on the plus strand (C>G on the coding strand, the complement: FRYL is on the minus strand). VCF-style: chr4-48557029-G-C. GRCh37 (hg19) VCF-style: chr4-48559046-G-C.
Other names: short protein forms H1405Q.
Identifiers: ClinVar variation 4086695 (VCV004086695.1).
Genomic context (GRCh38, chr4:48,557,029, plus strand): 5'-AATACATACGTAAGGCAAGAGGCTTGGTTCGCTATTCACCCCACAAATGCTGATCAAAAA[G>C]TGCAAAATTATTTTCAGGTTTTTGGGCCAGCCATCTGCAAGTGTGGTCCACACATTCTCC-3'
Protein context (NP_055845.1, residues 1395-1415): GWPKNLKIIL[His1405Gln]FLISICGVNS